The following is an entry in ClinVar:

NM_053274.3(GLMN):c.897del (p.His299fs)

Gene: GLMN (glomulin; minus strand). Cytogenetic location: 1p22.1.
Variant type: Deletion.
Coding change: c.897del on transcript NM_053274.3 (MANE Select); coding-DNA position 897, one base deleted (T; older notation c.897delT).
Protein change: p.His299fs; shifts the reading frame from histidine 299.
Molecular consequence: frameshift variant. On other transcripts: non-coding transcript variant (1).
Genome position (GRCh38, 1-based): chr1:92,271,491, A deleted on the plus strand (T on the coding strand, the reverse complement: GLMN is on the minus strand). VCF-style (leftmost placement, unchanged base first): chr1-92271490-TA-T. GRCh37 (hg19) VCF-style: chr1-92737047-TA-T.
Other names: c.897del, p.His299fs (NM_001319683.2); short protein forms H299fs.
Identifiers: ClinVar variation 5007185 (VCV005007185.2).

ClinVar aggregate classification (germline): Likely pathogenic (1 of 4 stars; one submission).

Conditions:
Glomuvenous malformation. Also called: Familial glomangioma; VENOUS MALFORMATIONS WITH GLOMUS CELLS; GLOMANGIOMAS, MULTIPLE; GLOMUS TUMORS, MULTIPLE. Identifiers: Orphanet 83454, MedGen C1841984, MONDO:0007672, OMIM 138000.

Submission:

Juno Genomics, Hangzhou Juno Genomics, Inc
Classification: Likely pathogenic for Glomuvenous malformation. Review status: criteria provided, single submitter. Criteria: ACMG Guidelines, 2015. Collection method: clinical testing. Allele origin: germline.
Comment: Null variant in a gene where loss of function (LOF) is a known mechanism of disease.;Absent from controls (or at extremely low frequency if recessive) in Genome Aggregation Database.